The following is an entry in ClinVar:

ClinVar aggregate classification (germline): Uncertain significance (1 of 4 stars; one submission).

Conditions:
Nemaline myopathy 2 (NEM2). Also called: Nemaline myopathy 2, autosomal recessive. Identifiers: MedGen C1850569, MONDO:0009725, OMIM 256030.

Submission:

Labcorp Genetics (formerly Invitae), Labcorp
Classification: Uncertain significance for Nemaline myopathy 2. Last evaluated: 2022-01-03. Review status: criteria provided, single submitter. Criteria: Invitae Variant Classification Sherloc (09022015). Collection method: clinical testing. Allele origin: germline.
Comment: This sequence change replaces leucine, which is neutral and non-polar, with phenylalanine, which is neutral and non-polar, at codon 5570 of the NEB protein (p.Leu5570Phe). This variant is not present in population databases (gnomAD no frequency). This variant has not been reported in the literature in individuals affected with NEB-related conditions. Algorithms developed to predict the effect of missense changes on protein structure and function are either unavailable or do not agree on the potential impact of this missense change (SIFT: "Deleterious"; PolyPhen-2: "Not Available"; Align-GVGD: "Class C0"). In summary, the available evidence is currently insufficient to determine the role of this variant in disease. Therefore, it has been classified as a Variant of Uncertain Significance.

NM_001164508.2(NEB):c.16708C>T (p.Leu5570Phe)

Gene: NEB (nebulin; minus strand). Cytogenetic location: 2q23.3.
Variant type: single nucleotide variant.
Coding change: c.16708C>T on transcript NM_001164508.2 (MANE Select); coding-DNA position 16708, C replaced by T.
Protein change: p.Leu5570Phe; replaces leucine 5570 with phenylalanine.
Molecular consequence: missense variant.
Genome position (GRCh38, 1-based): chr2:151,576,351, G>A on the plus strand (C>T on the coding strand, the complement: NEB is on the minus strand). VCF-style: chr2-151576351-G-A. GRCh37 (hg19) VCF-style: chr2-152432865-G-A.
Other names: c.16708C>T, p.Leu5570Phe (NM_001164507.2, NM_001271208.2); c.11605C>T, p.Leu3869Phe (NM_004543.5); short protein forms L3869F, L5570F.
Identifiers: ClinVar variation 2055080 (VCV002055080.1), dbSNP rs2552199801, ClinGen allele CA348811219.